The following is an entry in ClinVar:

NM_001142800.2(EYS):c.4216A>G (p.Thr1406Ala)

Gene: EYS (EGF-like photoreceptor maintenance factor; minus strand). Cytogenetic location: 6q12.
Variant type: single nucleotide variant.
Coding change: c.4216A>G on transcript NM_001142800.2 (MANE Select); coding-DNA position 4216, A replaced by G.
Protein change: p.Thr1406Ala; replaces threonine 1406 with alanine.
Molecular consequence: missense variant.
Genome position (GRCh38, 1-based): chr6:64,591,651, T>C on the plus strand (A>G on the coding strand, the complement: EYS is on the minus strand). VCF-style: chr6-64591651-T-C. GRCh37 (hg19) VCF-style: chr6-65301544-T-C.
Other names: c.4216A>G, p.Thr1406Ala (NM_001292009.2); c.4216A>G (NM_001142800.1); short protein forms T1406A.
Identifiers: ClinVar variation 1062065 (VCV001062065.10), dbSNP rs866402714, ClinGen allele CA140340964.

ClinVar aggregate classification (germline): Uncertain significance. Review status: criteria provided, multiple submitters, no conflicts (2 of 4 stars). 4 submissions from 4 submitters: Uncertain significance (3). 1 of the submissions does not count toward it. Last evaluated 2025-04-03.

Conditions:
Inborn genetic diseases. Identifiers: MedGen C0950123, MeSH D030342.
Retinitis pigmentosa 25 (RP25). Identifiers: Orphanet 791, MedGen C1864446, MONDO:0011272, OMIM 602772.

Allele frequency attached by ClinVar (database versions not stated): gnomAD 0.00001.
gnomAD v4.1: 10 of 1,551,070 alleles (0.00064%); highest among the groups gnomAD compares: African/African-American, 0.012%; no homozygotes.

Submissions (4):

Ambry Genetics
Classification: Uncertain significance for Inborn genetic diseases. Last evaluated: 2025-04-03. Review status: criteria provided, single submitter. Criteria: Ambry Variant Classification Scheme 2023. Collection method: clinical testing. Allele origin: germline.

Labcorp Genetics (formerly Invitae), Labcorp
Classification: Uncertain significance. Last evaluated: 2024-11-05. Review status: criteria provided, single submitter. Criteria: Invitae Variant Classification Sherloc (09022015). Collection method: clinical testing. Allele origin: germline.
Comment: This sequence change replaces threonine, which is neutral and polar, with alanine, which is neutral and non-polar, at codon 1406 of the EYS protein (p.Thr1406Ala). This variant is not present in population databases (gnomAD no frequency). This variant has not been reported in the literature in individuals affected with EYS-related conditions. ClinVar contains an entry for this variant (Variation ID: 1062065). An algorithm developed to predict the effect of missense changes on protein structure and function outputs the following: PolyPhen-2: "Possibly Damaging". The alanine amino acid residue is found in multiple mammalian species, which suggests that this missense change does not adversely affect protein function. In summary, the available evidence is currently insufficient to determine the role of this variant in disease. Therefore, it has been classified as a Variant of Uncertain Significance.

Blueprint Genetics
Classification: Uncertain significance. Last evaluated: 2024-09-13. Review status: criteria provided, single submitter. Criteria: ACMG Guidelines, 2015. Collection method: clinical testing. Allele origin: germline.

Natera, Inc.
Classification: Uncertain significance for Retinitis pigmentosa type 25. Last evaluated: 2020-04-14. Review status: no assertion criteria provided. Collection method: clinical testing. Allele origin: germline. Not counted in ClinVar's aggregate classification.